The following is an entry in ClinVar:

NM_031935.3(HMCN1):c.3874G>T (p.Gly1292Cys)

Gene: HMCN1 (hemicentin 1; plus strand). Cytogenetic location: 1q31.1.
Variant type: single nucleotide variant.
Coding change: c.3874G>T on transcript NM_031935.3 (MANE Select); coding-DNA position 3874, G replaced by T.
Protein change: p.Gly1292Cys; replaces glycine 1292 with cysteine.
Molecular consequence: missense variant.
Genome position (GRCh38, 1-based): chr1:185,997,524, G>T. VCF-style: chr1-185997524-G-T. GRCh37 (hg19) VCF-style: chr1-185966656-G-T.
Other names: short protein forms G1292C.
Identifiers: ClinVar variation 4717196 (VCV004717196.1).

ClinVar aggregate classification (germline): Uncertain significance (1 of 4 stars; one submission).

gnomAD v4.1: 12 of 1,595,968 alleles (0.00075%); highest among the groups gnomAD compares: African/African-American, 0.0013%; no homozygotes.

Submission:

Labcorp Genetics (formerly Invitae), Labcorp
Classification: Uncertain significance. Last evaluated: 2025-06-25. Review status: criteria provided, single submitter. Criteria: Invitae Variant Classification Sherloc (09022015). Collection method: clinical testing. Allele origin: germline.
Comment: This sequence change replaces glycine, which is neutral and non-polar, with cysteine, which is neutral and slightly polar, at codon 1292 of the HMCN1 protein (p.Gly1292Cys). This variant also falls at the last nucleotide of exon 25, which is part of the consensus splice site for this exon. This variant is present in population databases (no rsID available, gnomAD 0.003%). This variant has not been reported in the literature in individuals affected with HMCN1-related conditions. An algorithm developed to predict the effect of missense changes on protein structure and function (PolyPhen-2) suggests that this variant is likely to be disruptive. Variants that disrupt the consensus splice site are a relatively common cause of aberrant splicing (PMID: 17576681, 9536098). In summary, the available evidence is currently insufficient to determine the role of this variant in disease. Therefore, it has been classified as a Variant of Uncertain Significance.

Literature cited by the submitters: PubMed 17576681; PubMed 9536098.